The following is an entry in ClinVar:

ClinVar aggregate classification (germline): Uncertain significance. Review status: reviewed by expert panel (3 of 4 stars). 2 submissions from 2 submitters: Uncertain significance (1). 1 of the submissions does not count toward it. Last evaluated 2018-09-20.

Conditions:
Autosomal recessive nonsyndromic hearing loss 1A (DFNB1A). Also called: GJB6-Related DFNB 1 Nonsyndromic Hearing Loss and Deafness; Deafness, autosomal recessive 1A; Connexin 26 deafness; Deafness nonsyndromic, Connexin 26 linked; Nonsyndromic Hearing Loss and Deafness, DFNB1; GJB2-Related Autosomal Recessive Nonsyndromic Hearing Loss. Identifiers: Orphanet 90636, MedGen C2673759, MONDO:0009076, OMIM 220290.
Nonsyndromic genetic hearing loss. Also called: Nonsyndromic hearing loss and deafness; Nonsyndromic genetic deafness; Non-syndromic genetic deafness. Identifiers: Orphanet 87884, MedGen C5680182, MONDO:0019497.

Submissions (2):

ClinGen Hearing Loss Variant Curation Expert Panel
Classification: Uncertain significance for Nonsyndromic genetic hearing loss. Last evaluated: 2018-09-20. Review status: reviewed by expert panel. Criteria: ClinGen HL ACMG Specifications v1. Collection method: curation. Allele origin: germline. Inheritance: Autosomal recessive inheritance.
Comment: The p.Pro225Leu variant in GJB2 is absent from the Genome Aggregation Database (PM2). This variant has been detected in 1 patient with hearing loss in trans with pathogenic or suspected-pathogenic variants (PM3; PMID:21112098). In summary, this variant meets criteria to be classified as a variant of uncertain clinical significance for autosomal recessive nonsyndromic hearing loss based on the ACMG/AMP criteria applied, as specified by the Hearing Loss Expert Panel: PM2, PM3.

Counsyl
Classification: Uncertain significance for Autosomal recessive nonsyndromic hearing loss 1A. Last evaluated: 2017-12-19. Review status: no assertion criteria provided. Collection method: clinical testing. Allele origin: unknown. Not counted in ClinVar's aggregate classification.

Literature cited by the submitters: PubMed 21112098 (cited by ClinGen Hearing Loss Variant Curation Expert Panel and Counsyl).

NM_004004.6(GJB2):c.674C>T (p.Pro225Leu)

Gene: GJB2 (gap junction protein beta 2; minus strand). Cytogenetic location: 13q12.11.
Variant type: single nucleotide variant.
Coding change: c.674C>T on transcript NM_004004.6 (MANE Select); coding-DNA position 674, C replaced by T.
Protein change: p.Pro225Leu; replaces proline 225 with leucine.
Molecular consequence: missense variant.
Genome position (GRCh38, 1-based): chr13:20,188,908, G>A on the plus strand (C>T on the coding strand, the complement: GJB2 is on the minus strand). VCF-style: chr13-20188908-G-A. GRCh37 (hg19) VCF-style: chr13-20763047-G-A.
Other names: short protein forms P225L.
Identifiers: ClinVar variation 555720 (VCV000555720.3), dbSNP rs1555341782, ClinGen allele CA387460667.